The following is an entry in ClinVar:

ClinVar aggregate classification (germline): Uncertain significance (1 of 4 stars; one submission).

Allele frequency attached by ClinVar (database versions not stated): ESP Exome Variant Server 0.00015.
gnomAD v4.1: 18 of 1,583,136 alleles (0.0011%); highest among the groups gnomAD compares: African/African-American, 0.016%; no homozygotes.

Submission:

Labcorp Genetics (formerly Invitae), Labcorp
Classification: Uncertain significance. Last evaluated: 2022-07-06. Review status: criteria provided, single submitter. Criteria: Invitae Variant Classification Sherloc (09022015). Collection method: clinical testing. Allele origin: germline.
Comment: This variant is present in population databases (rs148662195, gnomAD 0.02%). This sequence change replaces glutamic acid, which is acidic and polar, with aspartic acid, which is acidic and polar, at codon 399 of the RARS protein (p.Glu399Asp). This variant has not been reported in the literature in individuals affected with RARS-related conditions. ClinVar contains an entry for this variant (Variation ID: 1680425). Algorithms developed to predict the effect of missense changes on protein structure and function are either unavailable or do not agree on the potential impact of this missense change (SIFT: "Tolerated"; PolyPhen-2: "Possibly Damaging"; Align-GVGD: "Class C0"). In summary, the available evidence is currently insufficient to determine the role of this variant in disease. Therefore, it has been classified as a Variant of Uncertain Significance.

NM_002887.4(RARS1):c.1197A>C (p.Glu399Asp)

Gene: RARS1 (arginyl-tRNA synthetase 1; plus strand). Cytogenetic location: 5q34.
Variant type: single nucleotide variant.
Coding change: c.1197A>C on transcript NM_002887.4 (MANE Select); coding-DNA position 1197, A replaced by C.
Protein change: p.Glu399Asp; replaces glutamic acid 399 with aspartic acid.
Molecular consequence: missense variant.
Genome position (GRCh38, 1-based): chr5:168,506,160, A>C. VCF-style: chr5-168506160-A-C. GRCh37 (hg19) VCF-style: chr5-167933165-A-C.
Other names: short protein forms E399D.
Identifiers: ClinVar variation 1680425 (VCV001680425.5), dbSNP rs148662195, ClinGen allele CA3549837.